The following is an entry in ClinVar:

NM_000059.4(BRCA2):c.5640T>G (p.Asn1880Lys)

Gene: BRCA2 (BRCA2 DNA repair associated; plus strand). Cytogenetic location: 13q13.1.
Variant type: single nucleotide variant.
Coding change: c.5640T>G on transcript NM_000059.4 (MANE Select); coding-DNA position 5640, T replaced by G.
Protein change: p.Asn1880Lys; replaces asparagine 1880 with lysine.
Molecular consequence: missense variant.
Genome position (GRCh38, 1-based): chr13:32,339,995, T>G. VCF-style: chr13-32339995-T-G. GRCh37 (hg19) VCF-style: chr13-32914132-T-G.
Other names: p.N1880K:AAT>AAG; NP_000050.3:p.Asn1880Lys; 5868T>G; short protein forms N1880K.
Identifiers: ClinVar variation 51896 (VCV000051896.118), dbSNP rs11571657, ClinGen allele CA022793.

ClinVar aggregate classification (germline): Benign. Review status: reviewed by expert panel (3 of 4 stars). 34 submissions from 33 submitters: Benign (1). 33 of the submissions do not count toward it. Last evaluated 2019-06-18.

Conditions:
Hereditary cancer-predisposing syndrome. Also called: Hereditary Cancer Syndrome; Tumor predisposition; Neoplastic Syndromes, Hereditary; Hereditary neoplastic syndrome. Identifiers: Orphanet 140162, MedGen C0027672, MeSH D009386, MONDO:0015356.
Breast and/or ovarian cancer. Identifiers: MedGen CN221562.
Breast neoplasm. Also called: Breast Neoplasms; Neoplasm of the breast; Neoplasm of breast; Breast tumor. Identifiers: MedGen C1458155, MeSH D001943, MONDO:0021100, HP:0100013. Disease mechanism: gain of function.
Hereditary breast ovarian cancer syndrome. Also called: Breast and ovarian cancer; BRCA1- and BRCA2-Associated Hereditary Breast and Ovarian Cancer; Hereditary breast and ovarian cancer; Hereditary breast and ovarian cancer syndrome (HBOC); Hereditary breast and ovarian cancer syndrome; Hereditary breast and/or ovarian cancer syndrome. Identifiers: Orphanet 145, MedGen C0677776, MeSH D061325, MONDO:0003582. Disease mechanism: loss of function.
Breast-ovarian cancer, familial, susceptibility to, 2 (BROVCA2). Also called: BRCA2 Hereditary Breast and Ovarian Cancer. Identifiers: Orphanet 145, MedGen C2675520, MONDO:0012933, OMIM 612555. Disease mechanism: loss of function.
Fanconi anemia complementation group D1. Also called: BRCA2-Related Fanconi Anemia. Identifiers: Orphanet 319462, MedGen C1838457, MONDO:0011584, OMIM 605724.

Allele frequency attached by ClinVar (database versions not stated): gnomAD exomes 0.00028 and 0.00077; 1000 Genomes Project 0.00220; 1000 Genomes Project 30x 0.00265; gnomAD 0.00270 and 0.00288; TOPMed 0.00286; ESP Exome Variant Server 0.00315; ExAC 0.00076.
gnomAD v4.1: 833 of 1,612,424 alleles (0.052%); highest among the groups gnomAD compares: African/African-American, 0.94%; 5 homozygotes.

Submissions 1 to 21 of 34:

Evidence-based Network for the Interpretation of Germline Mutant Alleles (ENIGMA)
Classification: Benign for Breast-ovarian cancer, familial, susceptibility to, 2. Last evaluated: 2019-06-18. Review status: reviewed by expert panel. Criteria: ENIGMA BRCA1/2 Classification Criteria (2017-06-29). Collection method: curation. Allele origin: germline.
Comment: Variant allele has low bioinformatic likelihood to encode a missense alteration affecting protein function (Missense prior probability 0.02), AND low bioinformatic likelihood to alter mRNA splicing (splicing prior 0.02), AND minor allele frequency 0.00909 (African), derived from gnomAD v2.1.1 non-cancer (2019-05-13).

Labcorp Genetics (formerly Invitae), Labcorp
Classification: Benign for Hereditary breast ovarian cancer syndrome. Last evaluated: 2026-02-04. Review status: criteria provided, single submitter. Criteria: Invitae Variant Classification Sherloc (09022015). Collection method: clinical testing. Allele origin: germline. Not counted in ClinVar's aggregate classification.

CeGaT Center for Human Genetics Tuebingen
Classification: Likely benign. Last evaluated: 2026-01-01. Review status: criteria provided, single submitter. Criteria: CeGaT Center For Human Genetics Tuebingen Variant Classification Criteria Version 2. Collection method: clinical testing. Allele origin: germline. Affected: yes. Observed: 2 variant alleles. Not counted in ClinVar's aggregate classification.
Comment: BRCA2: BP4, BS1

Center for Genomic Medicine, Rigshospitalet, Copenhagen University Hospital
Classification: Benign. Last evaluated: 2025-03-04. Review status: criteria provided, single submitter. Criteria: ACMG Guidelines, 2015. Collection method: clinical testing. Allele origin: germline. Not counted in ClinVar's aggregate classification.

ARUP Laboratories, Molecular Genetics and Genomics, ARUP Laboratories
Classification: Benign. Last evaluated: 2024-12-31. Review status: criteria provided, single submitter. Criteria: ARUP Molecular Germline Variant Investigation Process 2024. Collection method: clinical testing. Allele origin: germline. Not counted in ClinVar's aggregate classification.

Blueprint Genetics
Classification: Likely benign. Last evaluated: 2024-11-26. Review status: criteria provided, single submitter. Criteria: ACMG Guidelines, 2015. Collection method: clinical testing. Allele origin: germline. Not counted in ClinVar's aggregate classification.

Mayo Clinic Laboratories, Mayo Clinic
Classification: Benign. Last evaluated: 2022-09-29. Review status: criteria provided, single submitter. Criteria: ACMG Guidelines, 2015. Collection method: clinical testing. Allele origin: germline. Observed: 7 variant alleles. Not counted in ClinVar's aggregate classification.
Comment: BS1, BS2, BP4, BP6

National Health Laboratory Service, Universitas Academic Hospital and University of the Free State
Classification: Likely benign for Hereditary breast ovarian cancer syndrome. Last evaluated: 2022-04-19. Review status: criteria provided, single submitter. Criteria: ACMG Guidelines, 2015. Collection method: clinical testing. Allele origin: germline. Affected: yes. Observed: 11 variant alleles. Not counted in ClinVar's aggregate classification.

Laboratory for Molecular Medicine, Mass General Brigham Personalized Medicine
Classification: Benign. Last evaluated: 2022-01-28. Review status: criteria provided, single submitter. Criteria: ACMG Guidelines, 2015. Collection method: clinical testing. Allele origin: germline. Not counted in ClinVar's aggregate classification.
Comment: The p.Asn1880Lys variant in BRCA2 is classified as benign because it has been identified in 0.92% (229/24894, 2 homozygotes) of African chromosomes by gnomAD. This variant was classified as benign on Jun 18, 2019 by the ClinGen-approved ENIGMA expert panel (Variation ID 51896). ACMG/AMP Criteria applied: BA1.

Genetics Program, Instituto Nacional de Cancer
Classification: Likely benign for Hereditary breast ovarian cancer syndrome. Last evaluated: 2021-11-01. Review status: criteria provided, single submitter. Criteria: ACMG Guidelines, 2015. Collection method: research. Allele origin: germline. Affected: yes. Not counted in ClinVar's aggregate classification.

Sema4
Classification: Benign for Hereditary cancer-predisposing syndrome. Last evaluated: 2020-11-03. Review status: criteria provided, single submitter. Criteria: Sema4 Curation Guidelines. Collection method: curation. Allele origin: germline. Not counted in ClinVar's aggregate classification.

CHEO Genetics Diagnostic Laboratory, Children's Hospital of Eastern Ontario
Classification: Likely benign for Breast and/or ovarian cancer. Last evaluated: 2020-03-27. Review status: criteria provided, single submitter. Criteria: ACMG Guidelines, 2015. Collection method: clinical testing. Allele origin: germline. Not counted in ClinVar's aggregate classification.

Mendelics
Classification: Benign for Breast-ovarian cancer, familial, susceptibility to, 2. Last evaluated: 2019-05-28. Review status: criteria provided, single submitter. Criteria: Mendelics Assertion Criteria 2017. Collection method: clinical testing. Allele origin: unknown. Not counted in ClinVar's aggregate classification.

GeneDx
Classification: Benign. Last evaluated: 2018-11-30. Review status: criteria provided, single submitter. Criteria: GeneDx Variant Classification Process June 2021. Collection method: clinical testing. Allele origin: germline. Affected: yes. Not counted in ClinVar's aggregate classification.
Comment: This variant is associated with the following publications: (PMID: 21520273, 25637381, 11241844, 27884173, 26332594, 24728327, 11950811, 12624724, 9971877, 20104584, 19491284, 16030099, 22034289, 18724707, 12491487, 27741520)

Illumina Laboratory Services, Illumina
Classification: Likely benign for Fanconi anemia complementation group D1. Last evaluated: 2018-10-25. Review status: criteria provided, single submitter. Criteria: ICSL Variant Classification Criteria 13 December 2019. Collection method: clinical testing. Allele origin: germline. Not counted in ClinVar's aggregate classification.
Comment: This variant was observed as part of a predisposition screen in an ostensibly healthy population. A literature search was performed for the gene, cDNA change, and amino acid change (where applicable). No publications were found based on this search. Allele frequency data from public databases allowed determination this variant is unlikely to cause disease. Therefore, this variant is classified as likely benign.

Illumina Laboratory Services, Illumina
Classification: Likely benign for Breast-ovarian cancer, familial, susceptibility to, 2. Last evaluated: 2018-10-25. Review status: criteria provided, single submitter. Criteria: ICSL Variant Classification Criteria 13 December 2019. Collection method: clinical testing. Allele origin: germline. Not counted in ClinVar's aggregate classification.
Comment: This variant was observed as part of a predisposition screen in an ostensibly healthy population. A literature search was performed for the gene, cDNA change, and amino acid change (where applicable). Publications were found based on this search. The evidence from the literature, in combination with allele frequency data from public databases where available, was sufficient to determine this variant is unlikely to cause disease. Therefore, this variant is classified as likely benign.

Genetic Services Laboratory, University of Chicago
Classification: Benign. Last evaluated: 2018-07-20. Review status: criteria provided, single submitter. Criteria: ACMG Guidelines, 2015. Collection method: clinical testing. Allele origin: germline. Affected: no. Not counted in ClinVar's aggregate classification.

Institute for Biomarker Research, Medical Diagnostic Laboratories, L.L.C.
Classification: Likely benign for Hereditary cancer-predisposing syndrome. Last evaluated: 2017-07-12. Review status: criteria provided, single submitter. Criteria: ACMG Guidelines, 2015. Collection method: clinical testing. Allele origin: germline. Not counted in ClinVar's aggregate classification.

PreventionGenetics, part of Exact Sciences
Classification: Benign. Last evaluated: 2017-07-10. Review status: criteria provided, single submitter. Criteria: ACMG Guidelines, 2015. Collection method: clinical testing. Allele origin: germline. Not counted in ClinVar's aggregate classification.

Color Diagnostics, LLC DBA Color Health
Classification: Benign for Hereditary cancer-predisposing syndrome. Last evaluated: 2016-05-24. Review status: criteria provided, single submitter. Criteria: ACMG Guidelines, 2015. Collection method: clinical testing. Allele origin: germline. Not counted in ClinVar's aggregate classification.

Molecular Genetics Laboratory, University of Michigan
Classification: Likely benign for Breast-ovarian cancer, familial, susceptibility to, 2. Last evaluated: 2016-04-21. Review status: criteria provided, single submitter. Criteria: ACMG Guidelines, 2015. Collection method: clinical testing. Allele origin: germline. Affected: yes. Not counted in ClinVar's aggregate classification.